The following is an entry in ClinVar:

ClinVar aggregate classification (germline): Uncertain significance (1 of 4 stars; one submission).

Submission:

Labcorp Genetics (formerly Invitae), Labcorp
Classification: Uncertain significance. Last evaluated: 2022-02-22. Review status: criteria provided, single submitter. Criteria: Invitae Variant Classification Sherloc (09022015). Collection method: clinical testing. Allele origin: germline.
Comment: Algorithms developed to predict the effect of missense changes on protein structure and function output the following: SIFT: "Tolerated"; PolyPhen-2: "Benign"; Align-GVGD: "Class C0". The alanine amino acid residue is found in multiple mammalian species, which suggests that this missense change does not adversely affect protein function. In summary, the available evidence is currently insufficient to determine the role of this variant in disease. Therefore, it has been classified as a Variant of Uncertain Significance. This variant has not been reported in the literature in individuals affected with TRMT10A-related conditions. This variant is not present in population databases (gnomAD no frequency). This sequence change replaces valine, which is neutral and non-polar, with alanine, which is neutral and non-polar, at codon 97 of the TRMT10A protein (p.Val97Ala).

NM_001134665.3(TRMT10A):c.290T>C (p.Val97Ala)

Gene: TRMT10A (tRNA methyltransferase 10A; minus strand). Cytogenetic location: 4q23.
Variant type: single nucleotide variant.
Coding change: c.290T>C on transcript NM_001134665.3 (MANE Select); coding-DNA position 290, T replaced by C.
Protein change: p.Val97Ala; replaces valine 97 with alanine.
Molecular consequence: missense variant.
Genome position (GRCh38, 1-based): chr4:99,558,107, A>G on the plus strand (T>C on the coding strand, the complement: TRMT10A is on the minus strand). VCF-style: chr4-99558107-A-G. GRCh37 (hg19) VCF-style: chr4-100479264-A-G.
Other names: c.290T>C, p.Val97Ala (NM_001134666.3, NM_001375880.1, NM_001375881.1 and 2 more transcripts); short protein forms V97A.
Identifiers: ClinVar variation 2102076 (VCV002102076.4), dbSNP rs2476027847, ClinGen allele CA357512087.